The following is an entry in ClinVar:

NM_001374259.2(IL12RB2):c.1607G>A (p.Ser536Asn)

Gene: IL12RB2 (interleukin 12 receptor subunit beta 2; plus strand). Cytogenetic location: 1p31.3.
Variant type: single nucleotide variant.
Coding change: c.1607G>A on transcript NM_001374259.2 (MANE Select); coding-DNA position 1607, G replaced by A.
Protein change: p.Ser536Asn; replaces serine 536 with asparagine.
Molecular consequence: missense variant. On other transcripts: non-coding transcript variant (1), intron variant (1).
Genome position (GRCh38, 1-based): chr1:67,372,673, G>A. VCF-style: chr1-67372673-G-A. GRCh37 (hg19) VCF-style: chr1-67838356-G-A.
Other names: c.1607G>A, p.Ser536Asn (NM_001258214.1, NM_001258216.1, NM_001319233.1 and 1 more transcripts); c.1459+4648G>A (NM_001258215.1); short protein forms S536N.
Identifiers: ClinVar variation 2794819 (VCV002794819.3), dbSNP rs2523273398, ClinGen allele CA340729708.

ClinVar aggregate classification (germline): Uncertain significance (1 of 4 stars; one submission).

Submission:

Labcorp Genetics (formerly Invitae), Labcorp
Classification: Uncertain significance. Last evaluated: 2023-03-23. Review status: criteria provided, single submitter. Criteria: Invitae Variant Classification Sherloc (09022015). Collection method: clinical testing. Allele origin: germline.
Comment: This variant is not present in population databases (gnomAD no frequency). This sequence change replaces serine, which is neutral and polar, with asparagine, which is neutral and polar, at codon 536 of the IL12RB2 protein (p.Ser536Asn). This variant has not been reported in the literature in individuals affected with IL12RB2-related conditions. Algorithms developed to predict the effect of missense changes on protein structure and function output the following: SIFT: "Not Available"; PolyPhen-2: "Benign"; Align-GVGD: "Not Available". The asparagine amino acid residue is found in multiple mammalian species, which suggests that this missense change does not adversely affect protein function. In summary, the available evidence is currently insufficient to determine the role of this variant in disease. Therefore, it has been classified as a Variant of Uncertain Significance.